The following is an entry in ClinVar:

ClinVar aggregate classification (germline): Uncertain significance (1 of 4 stars; one submission).

Allele frequency attached by ClinVar (database versions not stated): gnomAD exomes below 0.00001; gnomAD 0.00001; TOPMed 0.00002.
gnomAD v4.1: 9 of 1,612,910 alleles (0.00056%); highest among the groups gnomAD compares: East Asian, 0.0022%; no homozygotes.

Submission:

Labcorp Genetics (formerly Invitae), Labcorp
Classification: Uncertain significance. Last evaluated: 2025-07-01. Review status: criteria provided, single submitter. Criteria: Invitae Variant Classification Sherloc (09022015). Collection method: clinical testing. Allele origin: germline.
Comment: This sequence change replaces lysine, which is basic and polar, with glutamic acid, which is acidic and polar, at codon 637 of the PRDM13 protein (p.Lys637Glu). This variant is present in population databases (no rsID available, gnomAD 0.006%). This variant has not been reported in the literature in individuals affected with PRDM13-related conditions. ClinVar contains an entry for this variant (Variation ID: 954745). An algorithm developed to predict the effect of missense changes on protein structure and function (PolyPhen-2) suggests that this variant is likely to be disruptive. In summary, the available evidence is currently insufficient to determine the role of this variant in disease. Therefore, it has been classified as a Variant of Uncertain Significance.

NM_021620.4(PRDM13):c.1909A>G (p.Lys637Glu)

Genes: PRDM13 (PR/SET domain 13; plus strand), LOC129996882 (ATAC-STARR-seq lymphoblastoid silent region 17423; plus strand). Cytogenetic location: 6q16.2.
Variant type: single nucleotide variant.
Coding change: c.1909A>G on transcript NM_021620.4 (MANE Select); coding-DNA position 1909, A replaced by G.
Protein change: p.Lys637Glu; replaces lysine 637 with glutamic acid.
Molecular consequence: missense variant.
Genome position (GRCh38, 1-based): chr6:99,614,544, A>G. VCF-style: chr6-99614544-A-G. GRCh37 (hg19) VCF-style: chr6-100062420-A-G.
Other names: short protein forms K637E.
Identifiers: ClinVar variation 954745 (VCV000954745.10), dbSNP rs1291979805, ClinGen allele CA365122260.
Genomic context (GRCh38, chr6:99,614,544, plus strand): 5'-AACAAGCACATCCGGCTGCACGCCGAGGGCAATACGCCCTACCGCTGCGAGTTCTGCGGC[A>G]AGGTACTTGTGCGCCGCCGGGACCTGGAGCGACATGTCAAGTCCCGCCACCCTGGCCAGA-3'
Protein context (NP_067633.2, residues 627-647): NTPYRCEFCG[Lys637Glu]VLVRRRDLER